The following is an entry in ClinVar:

NM_001376.5(DYNC1H1):c.12432C>T (p.Ile4144=)

Gene: DYNC1H1 (dynein cytoplasmic 1 heavy chain 1; plus strand). Cytogenetic location: 14q32.31.
Variant type: single nucleotide variant.
Coding change: c.12432C>T on transcript NM_001376.5 (MANE Select); coding-DNA position 12432, C replaced by T.
Protein change: p.Ile4144=; no amino-acid change (isoleucine 4144 retained).
Molecular consequence: synonymous variant.
Genome position (GRCh38, 1-based): chr14:102,042,667, C>T. VCF-style: chr14-102042667-C-T. GRCh37 (hg19) VCF-style: chr14-102509004-C-T.
Other names: p.Ile4144=.
Identifiers: ClinVar variation 588327 (VCV000588327.9), dbSNP rs1567022785, ClinGen allele CA488186495.
Genomic context (GRCh38, chr14:102,042,667, plus strand): 5'-GCATAACTGGAACGGCGCTCTCCCTTAGGTGCCTGTGAATCTGCTCCGTGCGGGCCGCAT[C>T]TTTGTGTTCGAGCCACCGCCAGGGGTGAAGGCCAACATGCTGAGGACGTTCAGCAGCATT-3'
Protein context (NP_001367.2, residues 4134-4154): VPVNLLRAGR[Ile4144=]FVFEPPPGVK

ClinVar aggregate classification (germline): Likely benign. Review status: criteria provided, multiple submitters, no conflicts (2 of 4 stars). 3 submissions from 3 submitters: Likely benign (3). Last evaluated 2025-07-17.

Conditions:
Inborn genetic diseases. Identifiers: MedGen C0950123, MeSH D030342.
Charcot-Marie-Tooth disease axonal type 2O. Also called: Charcot-Marie-Tooth Neuropathy Type 2O; CHARCOT-MARIE-TOOTH NEUROPATHY, AXONAL, TYPE 2O; CHARCOT-MARIE-TOOTH DISEASE, AXONAL, AUTOSOMAL DOMINANT, TYPE 2O; Charcot-Marie-Tooth disease, axonal, type 20. Identifiers: Orphanet 284232, MedGen C3280220, MONDO:0013644, OMIM 614228.

Allele frequency attached by ClinVar (database versions not stated): TOPMed below 0.00001.
gnomAD v4.1: 1 of 1,614,150 alleles (0.000062%); no homozygotes.

Submissions (3):

Mayo Clinic Laboratories, Mayo Clinic
Classification: Likely benign. Last evaluated: 2025-07-17. Review status: criteria provided, single submitter. Criteria: ACMG Guidelines, 2015. Collection method: clinical testing. Allele origin: germline. Observed: 1 variant allele.
Comment: BP4, BP7

Labcorp Genetics (formerly Invitae), Labcorp
Classification: Likely benign for Charcot-Marie-Tooth disease axonal type 2O. Last evaluated: 2023-10-29. Review status: criteria provided, single submitter. Criteria: Invitae Variant Classification Sherloc (09022015). Collection method: clinical testing. Allele origin: germline.

Ambry Genetics
Classification: Likely benign for Inborn genetic diseases. Last evaluated: 2016-10-10. Review status: criteria provided, single submitter. Criteria: Ambry Variant Classification Scheme 2023. Collection method: clinical testing. Allele origin: germline.